The following is an entry in ClinVar:

ClinVar aggregate classification (germline): Uncertain significance (1 of 4 stars; one submission).

Conditions:
Long QT syndrome (LQTS). Identifiers: MedGen C0023976, MeSH D008133, MONDO:0002442. Disease mechanism: loss of function. Inheritance: Various modes of inheritance.

Submission:

Labcorp Genetics (formerly Invitae), Labcorp
Classification: Uncertain significance for Long QT syndrome. Last evaluated: 2025-09-12. Review status: criteria provided, single submitter. Criteria: Invitae Variant Classification Sherloc (09022015). Collection method: clinical testing. Allele origin: germline.
Comment: This sequence change replaces glutamic acid, which is acidic and polar, with aspartic acid, which is acidic and polar, at codon 2811 of the AKAP9 protein (p.Glu2811Asp). This variant is not present in population databases (gnomAD no frequency). This variant has not been reported in the literature in individuals affected with AKAP9-related conditions. An algorithm developed to predict the effect of missense changes on protein structure and function outputs the following: PolyPhen-2: "Benign". The aspartic acid amino acid residue is found in multiple mammalian species, which suggests that this missense change does not adversely affect protein function. In summary, the available evidence is currently insufficient to determine the role of this variant in disease. Therefore, it has been classified as a Variant of Uncertain Significance.

NM_005751.5(AKAP9):c.8433A>T (p.Glu2811Asp)

Gene: AKAP9 (A-kinase anchoring protein 9; plus strand). Cytogenetic location: 7q21.2.
Variant type: single nucleotide variant.
Coding change: c.8433A>T on transcript NM_005751.5 (MANE Select); coding-DNA position 8433, A replaced by T.
Protein change: p.Glu2811Asp; replaces glutamic acid 2811 with aspartic acid.
Molecular consequence: missense variant.
Genome position (GRCh38, 1-based): chr7:92,083,442, A>T. VCF-style: chr7-92083442-A-T. GRCh37 (hg19) VCF-style: chr7-91712756-A-T.
Other names: c.3078A>T, p.Glu1026Asp (NM_001379277.1); c.8409A>T, p.Glu2803Asp (NM_147185.3); short protein forms E1026D, E2811D, E2803D.
Identifiers: ClinVar variation 4708163 (VCV004708163.1).